The following is an entry in ClinVar:

ClinVar aggregate classification (germline): Uncertain significance (1 of 4 stars; one submission).

Submission:

Labcorp Genetics (formerly Invitae), Labcorp
Classification: Uncertain significance. Last evaluated: 2020-12-18. Review status: criteria provided, single submitter. Criteria: Invitae Variant Classification Sherloc (09022015). Collection method: clinical testing. Allele origin: germline.
Comment: This sequence change replaces proline with serine at codon 349 of the GUCY2C protein (p.Pro349Ser). The proline residue is weakly conserved and there is a moderate physicochemical difference between proline and serine. This variant is not present in population databases (ExAC no frequency). This variant has not been reported in the literature in individuals with GUCY2C-related conditions. Algorithms developed to predict the effect of missense changes on protein structure and function output the following: SIFT: "Tolerated"; PolyPhen-2: "Benign"; Align-GVGD: "Class C0". The serine amino acid residue is found in multiple mammalian species, suggesting that this missense change does not adversely affect protein function. These predictions have not been confirmed by published functional studies and their clinical significance is uncertain. In summary, the available evidence is currently insufficient to determine the role of this variant in disease. Therefore, it has been classified as a Variant of Uncertain Significance.

NM_004963.4(GUCY2C):c.1045C>T (p.Pro349Ser)

Genes: GUCY2C (guanylate cyclase 2C; minus strand), GUCY2C-AS1 (GUCY2C antisense RNA 1; plus strand). Cytogenetic location: 12p12.3.
Variant type: single nucleotide variant.
Coding change: c.1045C>T on transcript NM_004963.4 (MANE Select); coding-DNA position 1045, C replaced by T.
Protein change: p.Pro349Ser; replaces proline 349 with serine.
Molecular consequence: missense variant.
Genome position (GRCh38, 1-based): chr12:14,674,664, G>A on the plus strand (C>T on the coding strand, the complement: GUCY2C is on the minus strand). VCF-style: chr12-14674664-G-A. GRCh37 (hg19) VCF-style: chr12-14827598-G-A.
Other names: short protein forms P349S.
Identifiers: ClinVar variation 1513565 (VCV001513565.8), dbSNP rs919901726, ClinGen allele CA384001066.